The following is an entry in ClinVar:

ClinVar aggregate classification (germline): Pathogenic. Review status: criteria provided, multiple submitters, no conflicts (2 of 4 stars). 2 submissions from 2 submitters: Pathogenic (2). Last evaluated 2025-12-13.

Conditions:
Autosomal dominant hypocalcemia 1 (HYPOC1). Also called: HYPOCALCEMIA, FAMILIAL. Identifiers: MedGen C3715128, MONDO:0011013, OMIM 601198.
Familial hypocalciuric hypercalcemia (FHH). Also called: Familial benign hypercalcemia. Identifiers: Orphanet 405, MedGen C1809471, MONDO:0018458.
Autosomal dominant hypocalcemia. Identifiers: Orphanet 428, MedGen C4048195, MONDO:0018543.

Submissions (2):

Labcorp Genetics (formerly Invitae), Labcorp
Classification: Pathogenic for Familial hypocalciuric hypercalcemia; Autosomal dominant hypocalcemia 1. Last evaluated: 2025-12-13. Review status: criteria provided, single submitter. Criteria: Invitae Variant Classification Sherloc (09022015). Collection method: clinical testing. Allele origin: germline.
Comment: This variant, c.2367_2369del, results in the deletion of 1 amino acid(s) of the CASR protein (p.Phe790del), but otherwise preserves the integrity of the reading frame. This variant is not present in population databases (gnomAD no frequency). This variant has been observed in individual(s) with familial hypocalciuric hypercalcemia (PMID: 21185797). It has also been observed to segregate with disease in related individuals. This variant is also known as p.Phe789del. For these reasons, this variant has been classified as Pathogenic.

Women's Health and Genetics/Laboratory Corporation of America, LabCorp
Classification: Pathogenic for Autosomal dominant hypocalcemia. Last evaluated: 2025-07-17. Review status: criteria provided, single submitter. Criteria: LabCorp Variant Classification Summary - May 2015. Collection method: clinical testing. Allele origin: germline.
Comment: Variant summary: CASR c.2367_2369delCTT (p.Phe790del) results in an in-frame deletion that is predicted to remove one amino acids from the encoded protein. The variant was absent in 251282 control chromosomes. c.2367_2369delCTT has been observed in the heterozygous state in multiple individuals affected with Autosomal Dominant Hypocalcemia (Garcia-Castano_2019). These data indicate that the variant is very likely to be associated with disease. This variant is also known as Phe789del. The following publication have been ascertained in the context of this evaluation (PMID: 30407919). No submitters have cited clinical-significance assessments for this variant to ClinVar. Based on the evidence outlined above, the variant was classified as pathogenic.

Literature cited by the submitters: PubMed 21185797 (cited by Labcorp Genetics (formerly Invitae), Labcorp); PubMed 30407919 (cited by Women's Health and Genetics/Laboratory Corporation of America, LabCorp).

NM_000388.4(CASR):c.2361CTT[2] (p.Phe790del)

Gene: CASR (calcium sensing receptor; plus strand). Cytogenetic location: 3q21.1.
Variant type: Microsatellite.
Coding change: c.2361CTT[2] on transcript NM_000388.4 (MANE Select); two copies in a row of the 3-base unit CTT starting at c.2361; the reference has three copies in a row; one copy, 3 bases deleted.
Protein change: p.Phe790del; deletes phenylalanine 790.
Genome position (GRCh38, 1-based): chr3:122,284,321-122,284,323, CTT deleted; deleting any 3 consecutive bases within chr3:122,284,315-122,284,323 gives the same sequence; the position shown is the placement nearest the transcript's 3' end. VCF-style (leftmost placement, unchanged base first): chr3-122284314-GCTT-G. GRCh37 (hg19) VCF-style: chr3-122003161-GCTT-G.
Other names: c.2367_2369delCTT (NM_000388.4); c.2391CTT[2], p.Phe800del (NM_001178065.2); short protein forms F800del, F790del.
Identifiers: ClinVar variation 4525809 (VCV004525809.2).